The following is an entry in ClinVar:

ClinVar aggregate classification (germline): Uncertain significance (1 of 4 stars; one submission).

Conditions:
Alstrom syndrome (ALMS). Identifiers: Orphanet 64, MedGen C0268425, MONDO:0008763, OMIM 203800.

Allele frequency attached by ClinVar (database versions not stated): gnomAD exomes below 0.00001.
gnomAD v4.1: 1 of 1,613,852 alleles (0.000062%); highest among the groups gnomAD compares: East Asian, 0.0022%; no homozygotes.

Submission:

Labcorp Genetics (formerly Invitae), Labcorp
Classification: Uncertain significance for Alstrom syndrome. Last evaluated: 2022-03-14. Review status: criteria provided, single submitter. Criteria: Invitae Variant Classification Sherloc (09022015). Collection method: clinical testing. Allele origin: germline.
Comment: This variant is not present in population databases (gnomAD no frequency). This sequence change replaces proline, which is neutral and non-polar, with arginine, which is basic and polar, at codon 653 of the ALMS1 protein (p.Pro653Arg). This variant has not been reported in the literature in individuals affected with ALMS1-related conditions. Experimental studies and prediction algorithms are not available or were not evaluated, and the functional significance of this variant is currently unknown. In summary, the available evidence is currently insufficient to determine the role of this variant in disease. Therefore, it has been classified as a Variant of Uncertain Significance.

NM_001378454.1(ALMS1):c.1955C>G (p.Pro652Arg)

Gene: ALMS1 (ALMS1 centrosome and basal body associated protein; plus strand). Cytogenetic location: 2p13.1.
Variant type: single nucleotide variant.
Coding change: c.1955C>G on transcript NM_001378454.1 (MANE Select); coding-DNA position 1955, C replaced by G.
Protein change: p.Pro652Arg; replaces proline 652 with arginine.
Molecular consequence: missense variant.
Genome position (GRCh38, 1-based): chr2:73,448,482, C>G. VCF-style: chr2-73448482-C-G. GRCh37 (hg19) VCF-style: chr2-73675609-C-G.
Other names: c.1958C>G, p.Pro653Arg (NM_015120.4); short protein forms P652R, P653R.
Identifiers: ClinVar variation 2111713 (VCV002111713.4), dbSNP rs1671852522, ClinGen allele CA347265932.
Genomic context (GRCh38, chr2:73,448,482, plus strand): 5'-ACCAACAAGAGTTACCAGAGAGTAACTTAACCGAAGAGCCTTTGGAAGTTTCAGCTGCTC[C>G]TGGCCCAGTGGAGCAGAAGACGGGAATACCTACAGTATCCTCTACATCCCACTCACATGT-3'
Protein context (NP_001365383.1, residues 642-662): TEEPLEVSAA[Pro652Arg]GPVEQKTGIP